The following is an entry in ClinVar:

NM_014727.3(KMT2B):c.5730C>T (p.Pro1910=)

Gene: KMT2B (lysine methyltransferase 2B; plus strand). Cytogenetic location: 19q13.12.
Variant type: single nucleotide variant.
Coding change: c.5730C>T on transcript NM_014727.3 (MANE Select); coding-DNA position 5730, C replaced by T.
Protein change: p.Pro1910=; no amino-acid change (proline 1910 retained).
Molecular consequence: synonymous variant.
Genome position (GRCh38, 1-based): chr19:35,732,279, C>T. VCF-style: chr19-35732279-C-T. GRCh37 (hg19) VCF-style: chr19-36223180-C-T.
Identifiers: ClinVar variation 1981600 (VCV001981600.28), dbSNP rs369542583, ClinGen allele CA9385522.

ClinVar aggregate classification (germline): Likely benign. Review status: criteria provided, multiple submitters, no conflicts (2 of 4 stars). 2 submissions from 2 submitters: Likely benign (2). Last evaluated 2025-03-11.

gnomAD v4.1: 18 of 1,610,420 alleles (0.0011%); highest among the groups gnomAD compares: African/African-American, 0.013%; no homozygotes.

Submissions (2):

Labcorp Genetics (formerly Invitae), Labcorp
Classification: Likely benign. Last evaluated: 2025-03-11. Review status: criteria provided, single submitter. Criteria: Invitae Variant Classification Sherloc (09022015). Collection method: clinical testing. Allele origin: germline.

CeGaT Center for Human Genetics Tuebingen
Classification: Likely benign. Last evaluated: 2024-06-01. Review status: criteria provided, single submitter. Criteria: CeGaT Center For Human Genetics Tuebingen Variant Classification Criteria Version 2. Collection method: clinical testing. Allele origin: germline. Affected: yes. Observed: 3 variant alleles.
Comment: KMT2B: BP4, BP7